The following is an entry in ClinVar:

NM_000046.5(ARSB):c.1325C>T (p.Thr442Met)

Gene: ARSB (arylsulfatase B; minus strand). Cytogenetic location: 5q14.1.
Variant type: single nucleotide variant.
Coding change: c.1325C>T on transcript NM_000046.5 (MANE Select); coding-DNA position 1325, C replaced by T.
Protein change: p.Thr442Met; replaces threonine 442 with methionine.
Molecular consequence: missense variant.
Genome position (GRCh38, 1-based): chr5:78,781,863, G>A on the plus strand (C>T on the coding strand, the complement: ARSB is on the minus strand). VCF-style: chr5-78781863-G-A. GRCh37 (hg19) VCF-style: chr5-78077686-G-A.
Other names: short protein forms T442M.
Identifiers: ClinVar variation 379809 (VCV000379809.18), dbSNP rs1057520739, ClinGen allele CA16604916.

ClinVar aggregate classification (germline): Conflicting classifications of pathogenicity. Review status: criteria provided, conflicting classifications (1 of 4 stars). 8 submissions from 8 submitters: Pathogenic (4); Likely pathogenic (2); Uncertain significance (1). 1 of the submissions does not count toward it. Last evaluated 2025-08-06.

Conditions:
Mucopolysaccharidosis type 6 (MPS6). Also called: MPS 6; Maroteaux Lamy syndrome; MPS VI; ARSB DEFICIENCY; ARYLSULFATASE B DEFICIENCY; N-ACETYLGALACTOSAMINE-4-SULFATASE DEFICIENCY. Identifiers: Orphanet 583, MedGen C0026709, MONDO:0009661, OMIM 253200.

gnomAD v4.1: 5 of 1,614,086 alleles (0.00031%); highest among the groups gnomAD compares: Non-Finnish European, 0.00042%; no homozygotes.

Submissions (8):

Natera, Inc.
Classification: Likely pathogenic for Mucopolysaccharidosis type VI. Last evaluated: 2025-08-06. Review status: criteria provided, single submitter. Criteria: Natera Variant Classification Schema (03/2026). Collection method: clinical testing. Allele origin: germline.
Comment: The c.1325C>T variant in ARSB is a missense variant predicted to cause substitution of threonine to methionine at amino acid 442. This variant is rare in the general population with a frequency below the threshold expected for the associated phenotype(s). This variant has been observed in one or more individuals affected with the associated recessive disease, as either homozygous or compound heterozygous with a second variant (PMID: 17458871, 33985463). A different variant at the same position has been determined to be Pathogenic or Likely Pathogenic. Computational prediction algorithms indicate this variant is likely to affect gene or protein function. Given the available evidence, this variant is classified as Likely Pathogenic.

Baylor Genetics
Classification: Pathogenic for Mucopolysaccharidosis type 6. Last evaluated: 2023-08-24. Review status: criteria provided, single submitter. Criteria: ACMG Guidelines, 2015. Collection method: clinical testing. Allele origin: unknown.

Labcorp Genetics (formerly Invitae), Labcorp
Classification: Pathogenic for Mucopolysaccharidosis type 6. Last evaluated: 2023-04-24. Review status: criteria provided, single submitter. Criteria: Invitae Variant Classification Sherloc (09022015). Collection method: clinical testing. Allele origin: germline.
Comment: This sequence change replaces threonine, which is neutral and polar, with methionine, which is neutral and non-polar, at codon 442 of the ARSB protein (p.Thr442Met). For these reasons, this variant has been classified as Pathogenic. Advanced modeling of protein sequence and biophysical properties (such as structural, functional, and spatial information, amino acid conservation, physicochemical variation, residue mobility, and thermodynamic stability) performed at Invitae indicates that this missense variant is expected to disrupt ARSB protein function. ClinVar contains an entry for this variant (Variation ID: 379809). This missense change has been observed in individual(s) with clinical features of mucopolysaccharidosis type IV (PMID: 17458871, 25190157; Invitae). This variant is not present in population databases (gnomAD no frequency).

Women's Health and Genetics/Laboratory Corporation of America, LabCorp
Classification: Likely pathogenic for Mucopolysaccharidosis type 6. Last evaluated: 2023-04-24. Review status: criteria provided, single submitter. Criteria: LabCorp Variant Classification Summary - May 2015. Collection method: clinical testing. Allele origin: germline.
Comment: Variant summary: ARSB c.1325C>T (p.Thr442Met) results in a non-conservative amino acid change in the encoded protein sequence. Five of five in-silico tools predict a damaging effect of the variant on protein function. The variant was absent in 251396 control chromosomes (gnomAD). c.1325C>T has been reported in the literature in the compound heterozygous state in individuals affected with Mucopolysaccharidosis Type VI (Maroteaux-Lamy Syndrome), including at least one case where it was found in trans with a pathogenic variant (e.g. Karageorgos_2007, Zheng_2014, Tomanin_2018, He_2021). These data indicate that the variant is likely associated with disease. To our knowledge, no experimental evidence demonstrating an impact on protein function has been reported. The following publications have been ascertained in the context of this evaluation (PMID: 17458871, 25190157, 30118150, 33985463). Four submitters have provided clinical-significance assessments for this variant to ClinVar after 2014 and classified the variant as either pathogenic (n=2) or VUS (n=2). Based on the evidence outlined above, the variant was classified as likely pathogenic.

Eurofins Ntd Llc (ga)
Classification: Uncertain significance. Last evaluated: 2017-02-21. Review status: criteria provided, single submitter. Criteria: EGL Classification Definitions 2015. Collection method: clinical testing. Allele origin: germline. Observed: 1 variant allele, 1 heterozygote.

GeneDx
Classification: Pathogenic. Last evaluated: 2015-05-27. Review status: criteria provided, single submitter. Criteria: GeneDx Variant Classification (06012015). Collection method: clinical testing. Allele origin: germline. Affected: yes.
Comment: The T442M variant in the ARSB gene has been reported previously in the compound heterozygous statein an individual with mucopolysaccharidosis type VI (MPS VI) (Karageorgos et al., 2007). The T442Msubstitution was not observed in approximately 6500 individuals of European and African American ancestryin the NHLBI Exome Sequencing Project, indicating it is not a common benign variant in these populations.The T442M variant is a non-conservative amino acid substitution, which is likely to impact secondaryprotein structure as these residues differ in polarity, charge, size and/or other properties. This substitutionoccurs at a position that is conserved across species. Missense variants in the same (T442R) and nearby(K439E, P445L, and G446R) residues have been reported in the Human Gene Mutation Database inassociation with MPS VI (Stenson et al., 2014), supporting the functional importance of this region of theprotein. We interpret T442M as a pathogenic variant.

Kariminejad - Najmabadi Pathology & Genetics Center
Classification: Pathogenic for Mucopolysaccharidosis type 6. Review status: criteria provided, single submitter. Criteria: ACMG Guidelines, 2015. Collection method: clinical testing. Allele origin: germline. Affected: no.

Laboratory of Diagnosis and Therapy of Lysosomal Disorders, University of Padova
Classification: Uncertain significance for Mucopolysaccharidosis type 6. Last evaluated: 2018-01-01. Review status: flagged submission. Criteria: ACMG Guidelines, 2015. Collection method: curation. Allele origin: germline. Affected: yes. Not counted in ClinVar's aggregate classification.
Comment: Absent from GnomAD (PM2)
ClinVar note: Reason: Older claim that does not account for recent evidence

Literature cited by the submitters: PubMed 17458871 (cited by 4 submitters); PubMed 33985463 (cited by Natera, Inc. and Women's Health and Genetics/Laboratory Corporation of America, LabCorp); PubMed 25190157 (cited by 3 submitters); PubMed 30118150 (cited by Women's Health and Genetics/Laboratory Corporation of America, LabCorp and Laboratory of Diagnosis and Therapy of Lysosomal Disorders, University of Padova).